The following is an entry in ClinVar:

ClinVar aggregate classification (germline): Uncertain significance (1 of 4 stars; one submission).

Submission:

GeneDx
Classification: Uncertain significance. Last evaluated: 2025-05-23. Review status: criteria provided, single submitter. Criteria: GeneDx Variant Classification Process June 2021. Collection method: clinical testing. Allele origin: germline. Affected: yes.
Comment: Not observed at significant frequency in large population cohorts (gnomAD); In silico analysis supports that this missense variant has a deleterious effect on protein structure/function; Has not been previously published as pathogenic or benign to our knowledge

NM_000260.4(MYO7A):c.4010A>G (p.Glu1337Gly)

Gene: MYO7A (myosin VIIA; plus strand). Cytogenetic location: 11q13.5.
Variant type: single nucleotide variant.
Coding change: c.4010A>G on transcript NM_000260.4 (MANE Select); coding-DNA position 4010, A replaced by G.
Protein change: p.Glu1337Gly; replaces glutamic acid 1337 with glycine.
Molecular consequence: missense variant.
Genome position (GRCh38, 1-based): chr11:77,192,136, A>G. VCF-style: chr11-77192136-A-G. GRCh37 (hg19) VCF-style: chr11-76903181-A-G.
Other names: c.4010A>G, p.Glu1337Gly (NM_001127180.2); c.3977A>G, p.Glu1326Gly (NM_001369365.1); short protein forms E1326G, E1337G.
Identifiers: ClinVar variation 4530933 (VCV004530933.1).